The following is an entry in ClinVar:

NM_001042492.3(NF1):c.3514del (p.Asp1172fs)

Gene: NF1 (neurofibromin 1; plus strand). Cytogenetic location: 17q11.2.
Variant type: Deletion.
Coding change: c.3514del on transcript NM_001042492.3 (MANE Select); coding-DNA position 3514, one base deleted (G; older notation c.3514delG).
Protein change: p.Asp1172fs; shifts the reading frame from aspartic acid 1172.
Molecular consequence: frameshift variant.
Genome position (GRCh38, 1-based): chr17:31,233,019, G deleted; the last of 2 consecutive G bases (chr17:31,233,018-31,233,019); deleting either gives the same sequence. VCF-style (leftmost placement, unchanged base first): chr17-31233017-AG-A. GRCh37 (hg19) VCF-style: chr17-29560035-AG-A.
Other names: c.3514delG, p.Asp1172Ilefs (NM_000267.4); short protein forms D1172fs.
Identifiers: ClinVar variation 233696 (VCV000233696.4), dbSNP rs876660580, ClinGen allele CA10580286.

ClinVar aggregate classification (germline): Pathogenic. Review status: criteria provided, multiple submitters, no conflicts (2 of 4 stars). 2 submissions from 2 submitters: Pathogenic (2). Last evaluated 2025-07-02.

Conditions:
Hereditary cancer-predisposing syndrome. Also called: Tumor predisposition; Hereditary Cancer Syndrome; Hereditary neoplastic syndrome; Neoplastic Syndromes, Hereditary. Identifiers: Orphanet 140162, MedGen C0027672, MeSH D009386, MONDO:0015356.
Neurofibromatosis, type 1 (NF1). Also called: VON RECKLINGHAUSEN DISEASE; NEUROFIBROMATOSIS, TYPE I, SOMATIC; Peripheral type neurofibromatosis; Neurofibromatosis, type I. Identifiers: Orphanet 636, MedGen C0027831, MONDO:0018975, OMIM 162200. Disease mechanism: loss of function.

Submissions (2):

Labcorp Genetics (formerly Invitae), Labcorp
Classification: Pathogenic for Neurofibromatosis, type 1. Last evaluated: 2025-07-02. Review status: criteria provided, single submitter. Criteria: Invitae Variant Classification Sherloc (09022015). Collection method: clinical testing. Allele origin: germline.
Comment: This sequence change creates a premature translational stop signal (p.Asp1172Ilefs*12) in the NF1 gene. It is expected to result in an absent or disrupted protein product. Loss-of-function variants in NF1 are known to be pathogenic (PMID: 10712197, 23913538). This variant is not present in population databases (gnomAD no frequency). This premature translational stop signal has been observed in individual(s) with Neurofibromatosis type 1 (PMID: 23913538). ClinVar contains an entry for this variant (Variation ID: 233696). For these reasons, this variant has been classified as Pathogenic.

Ambry Genetics
Classification: Pathogenic for Hereditary cancer-predisposing syndrome. Last evaluated: 2015-08-31. Review status: criteria provided, single submitter. Criteria: Ambry Autosomal Dominant and X-Linked criteria (10/2015). Collection method: clinical testing. Allele origin: germline. Observed: 1 variant allele.
Comment: The c.3514delG pathogenic mutation, located in coding exon 27 of the NF1 gene, results from a deletion of one nucleotide at nucleotide position 3514, causing a translational frameshift with a predicted alternate stop codon. This alteration was reported in one individual from a a cohort of 565 individuals with a clinical diagnosis of NF1 (SabbaghA et al.Hum.Mutat. 2013 Nov;34(11):1510-8). In addition to the information presented in the literature, since frameshifts are typically deleterious in nature, this alteration is interpreted as a disease-causing mutation (ACMG Recommendations for Standards for Interpretation and Reporting of Sequence Variations. Revision 2007. Genet Med. 2008;10:294).

Literature cited by the submitters: PubMed 10712197 (cited by Labcorp Genetics (formerly Invitae), Labcorp); PubMed 23913538 (cited by Labcorp Genetics (formerly Invitae), Labcorp and Ambry Genetics).